The following is an entry in ClinVar:

NM_001365536.1(SCN9A):c.1275G>T (p.Gln425His)

Genes: SCN1A-AS1 (SCN1A and SCN9A antisense RNA 1; plus strand), SCN9A (sodium voltage-gated channel alpha subunit 9; minus strand). Cytogenetic location: 2q24.3.
Variant type: single nucleotide variant.
Coding change: c.1275G>T on transcript NM_001365536.1 (MANE Select); coding-DNA position 1275, G replaced by T.
Protein change: p.Gln425His; replaces glutamine 425 with histidine.
Molecular consequence: missense variant.
Genome position (GRCh38, 1-based): chr2:166,288,476, C>A on the plus strand (G>T on the coding strand, the complement: SCN9A is on the minus strand). VCF-style: chr2-166288476-C-A. GRCh37 (hg19) VCF-style: chr2-167144986-C-A.
Other names: c.1275G>T, p.Gln425His (NM_002977.4); short protein forms Q425H.
Identifiers: ClinVar variation 650836 (VCV000650836.9), dbSNP rs781606441, ClinGen allele CA349085725.
Genomic context (GRCh38, chr2:166,288,476, plus strand): 5'-TTTTAAATCAAATAACAGTACCTCAGCTTCTTCTTGCTCTTTTTTAAGACGGTCTAACAT[C>A]TGTTGAAATTCTAATTCTTTCTGTTTAGCTTCTTCAATGTTTGCCTGGTTCTGTTCTTCA-3'
Protein context (NP_001352465.1, residues 415-435): EAKQKELEFQ[Gln425His]MLDRLKKEQE

ClinVar aggregate classification (germline): Uncertain significance (1 of 4 stars; one submission).

Conditions:
Neuropathy, hereditary sensory and autonomic, type 2A (HSAN2A). Also called: WNK1-Related HSAN2 (HSAN2A); MORVAN DISEASE; NEUROPATHY, CONGENITAL SENSORY; NEUROPATHY, HEREDITARY SENSORY RADICULAR, AUTOSOMAL RECESSIVE; NEUROPATHY, HEREDITARY SENSORY, TYPE IIA; NEUROPATHY, PROGRESSIVE SENSORY, OF CHILDREN. Identifiers: Orphanet 970, MedGen C2752089, MONDO:0024309, OMIM 201300.
Generalized epilepsy with febrile seizures plus, type 7 (GEFSP7). Also called: GEFS+, TYPE 7. Identifiers: Orphanet 36387, MedGen C2751778, MONDO:0013470, OMIM 613863.

gnomAD v4.1: 2 of 1,612,694 alleles (0.00012%); highest among the groups gnomAD compares: Non-Finnish European, 0.00017%; no homozygotes.

Submission:

Labcorp Genetics (formerly Invitae), Labcorp
Classification: Uncertain significance for Neuropathy, hereditary sensory and autonomic, type 2A; Generalized epilepsy with febrile seizures plus, type 7. Last evaluated: 2021-02-01. Review status: criteria provided, single submitter. Criteria: Invitae Variant Classification Sherloc (09022015). Collection method: clinical testing. Allele origin: germline.
Comment: In summary, the available evidence is currently insufficient to determine the role of this variant in disease. Therefore, it has been classified as a Variant of Uncertain Significance. Algorithms developed to predict the effect of missense changes on protein structure and function (SIFT, PolyPhen-2, Align-GVGD) all suggest that this variant is likely to be tolerated, but these predictions have not been confirmed by published functional studies and their clinical significance is uncertain. This variant has not been reported in the literature in individuals with SCN9A-related disease. This variant is not present in population databases (ExAC no frequency). This sequence change replaces glutamine with histidine at codon 425 of the SCN9A protein (p.Gln425His). The glutamine residue is moderately conserved and there is a small physicochemical difference between glutamine and histidine.